The following is an entry in ClinVar:

NM_005677.4(COLQ):c.393+240G>A

Gene: COLQ (collagen like tail subunit of asymmetric acetylcholinesterase; minus strand). Cytogenetic location: 3p25.1.
Variant type: single nucleotide variant.
Coding change: c.393+240G>A on transcript NM_005677.4 (MANE Select); 240 bases into the intron after coding-DNA position 393, G replaced by A.
Molecular consequence: intron variant.
Genome position (GRCh38, 1-based): chr3:15,478,737, C>T on the plus strand (G>A on the coding strand, the complement: COLQ is on the minus strand). VCF-style: chr3-15478737-C-T. GRCh37 (hg19) VCF-style: chr3-15520244-C-T.
Other names: c.291+240G>A (NM_080539.4); c.363+240G>A (NM_080538.2).
Identifiers: ClinVar variation 679249 (VCV000679249.2), dbSNP rs909354, ClinGen allele CA11565845.
Genomic context (GRCh38, chr3:15,478,737, plus strand): 5'-TAGCAGAGTGAGATGGTCTGGGGTTGGGGCGGGAAGTGAGAGGGGTGGAATTTGGCCAGG[C>T]TTGGCAGCCCCCGGAAGAAGTCTGAATGCCTGGCAGTAGCAGGCTCCTGCTCCTGAACAA-3'

ClinVar aggregate classification (germline): Benign. Review status: criteria provided, multiple submitters, no conflicts (2 of 4 stars). 2 submissions from 2 submitters: Benign (2). Last evaluated 2018-06-19.

Allele frequency attached by ClinVar (database versions not stated): gnomAD 0.37064 and 0.37205; TOPMed 0.37411; 1000 Genomes Project 30x 0.38335; 1000 Genomes Project 0.38598; gnomAD exomes 0.38913.
gnomAD v4.1: 233,518 of 605,328 alleles (39%); highest among the groups gnomAD compares: East Asian, 48%; 46,037 homozygotes.

Submissions (2):

GeneDx
Classification: Benign. Last evaluated: 2018-06-19. Review status: criteria provided, single submitter. Criteria: GeneDx Variant Classification (06012015). Collection method: clinical testing. Allele origin: germline. Affected: yes.
Comment: This variant is considered likely benign or benign based on one or more of the following criteria: it is a conservative change, it occurs at a poorly conserved position in the protein, it is predicted to be benign by multiple in silico algorithms, and/or has population frequency not consistent with disease.

Breakthrough Genomics
Classification: Benign. Review status: criteria provided, single submitter. Criteria: ACMG Guidelines, 2015. Collection method: not provided. Allele origin: germline. Inheritance: Autosomal recessive inheritance. Affected: yes.